The following is an entry in ClinVar:

NM_001244008.2(KIF1A):c.3294C>T (p.Gly1098=)

Gene: KIF1A (kinesin family member 1A; minus strand). Cytogenetic location: 2q37.3.
Variant type: single nucleotide variant.
Coding change: c.3294C>T on transcript NM_001244008.2 (MANE Select); coding-DNA position 3294, C replaced by T.
Protein change: p.Gly1098=; no amino-acid change (glycine 1098 retained).
Molecular consequence: synonymous variant.
Genome position (GRCh38, 1-based): chr2:240,745,818, G>A on the plus strand (C>T on the coding strand, the complement: KIF1A is on the minus strand). VCF-style: chr2-240745818-G-A. GRCh37 (hg19) VCF-style: chr2-241685235-G-A.
Other names: c.3018C>T, p.Gly1006= (NM_001320705.2, NM_001330289.2, NM_001379638.1); c.3093C>T, p.Gly1031= (NM_001330290.2, NM_001379634.1, NM_001379635.1 and 1 more transcripts); c.3369C>T, p.Gly1123= (NM_001379631.1); c.3243C>T, p.Gly1081= (NM_001379632.1); c.3267C>T, p.Gly1089= (NM_001379633.1, NM_001379642.1, NM_001379645.1); c.2991C>T, p.Gly997= (NM_001379636.1, NM_001379639.1, NM_001379641.1 and 6 more transcripts); c.3066C>T, p.Gly1022= (NM_001379637.1, NM_001379648.1); c.2988C>T, p.Gly996= (NM_001379640.1).
Identifiers: ClinVar variation 2663575 (VCV002663575.4), dbSNP rs1258382052, ClinGen allele CA432234326.

ClinVar aggregate classification (germline): Uncertain significance. Review status: criteria provided, multiple submitters, no conflicts (2 of 4 stars). 2 submissions from 2 submitters: Uncertain significance (2). Last evaluated 2023-08-14.

Conditions:
Hereditary spastic paraplegia 30. Identifiers: Orphanet 101010, MedGen C5235139, MONDO:0012476.
Neuropathy, hereditary sensory, type 2C. Also called: Hereditary sensory and autonomic neuropathy type IIC; KIF1A-Related HSAN2 (HSAN2C). Identifiers: Orphanet 970, MedGen C3280168, MONDO:0013634, OMIM 614213.
Intellectual disability, autosomal dominant 9 (NESCAVS). Also called: NESCAV SYNDROME; KIF1A-Related Neurodevelopmental Disorder. Identifiers: Orphanet 662367, MedGen C5393830, MONDO:0013656, OMIM 614255.

gnomAD v4.1: 1 of 1,612,950 alleles (0.000062%); highest among the groups gnomAD compares: Non-Finnish European, 0.000085%; no homozygotes.

Submissions (2):

Labcorp Genetics (formerly Invitae), Labcorp
Classification: Uncertain significance for Hereditary spastic paraplegia 30; Neuropathy, hereditary sensory, type 2C; Intellectual disability, autosomal dominant 9. Last evaluated: 2023-08-14. Review status: criteria provided, single submitter. Criteria: Invitae Variant Classification Sherloc (09022015). Collection method: clinical testing. Allele origin: germline.
Comment: In summary, the available evidence is currently insufficient to determine the role of this variant in disease. Therefore, it has been classified as a Variant of Uncertain Significance. Algorithms developed to predict the effect of sequence changes on RNA splicing suggest that this variant may create or strengthen a splice site. This variant has not been reported in the literature in individuals affected with KIF1A-related conditions. This variant is not present in population databases (gnomAD no frequency). This sequence change affects codon 997 of the KIF1A mRNA. It is a 'silent' change, meaning that it does not change the encoded amino acid sequence of the KIF1A protein.

GeneDx
Classification: Uncertain significance. Last evaluated: 2023-04-11. Review status: criteria provided, single submitter. Criteria: GeneDx Variant Classification Process June 2021. Collection method: clinical testing. Allele origin: germline. Affected: yes.
Comment: Not observed at significant frequency in large population cohorts (gnomAD); Has not been previously published as pathogenic or benign to our knowledge; In silico analysis suggests this variant may impact gene splicing. In the absence of RNA/functional studies, the actual effect of this sequence change is unknown.